The following is an entry in ClinVar:

ClinVar aggregate classification (germline): Likely benign. Review status: criteria provided, multiple submitters, no conflicts (2 of 4 stars). 3 submissions from 3 submitters: Likely benign (3). Last evaluated 2025-12-11.

Conditions:
Predisposition to invasive fungal disease due to CARD9 deficiency (IMD103). Also called: IMMUNODEFICIENCY 103, SUSCEPTIBILITY TO FUNGAL INFECTIONS; CARD9 IMMUNODEFICIENCY; Candidiasis, familial, 2, autosomal recessive. Identifiers: Orphanet 457088, MedGen C1859353, MONDO:0008905, OMIM 212050.
Inborn genetic diseases. Identifiers: MedGen C0950123, MeSH D030342.

Allele frequency attached by ClinVar (database versions not stated): ESP Exome Variant Server 0.00108; TOPMed 0.00119; 1000 Genomes Project 0.00200; 1000 Genomes Project 30x 0.00219.
gnomAD v4.1: 404 of 1,609,666 alleles (0.025%); highest among the groups gnomAD compares: African/African-American, 0.49%; 2 homozygotes.

Submissions (3):

Labcorp Genetics (formerly Invitae), Labcorp
Classification: Likely benign for Predisposition to invasive fungal disease due to CARD9 deficiency. Last evaluated: 2025-12-11. Review status: criteria provided, single submitter. Criteria: Invitae Variant Classification Sherloc (09022015). Collection method: clinical testing. Allele origin: germline.

Ambry Genetics
Classification: Likely benign for Inborn genetic diseases. Last evaluated: 2025-02-20. Review status: criteria provided, single submitter. Criteria: Ambry Variant Classification Scheme 2023. Collection method: clinical testing. Allele origin: germline.

Illumina Laboratory Services, Illumina
Classification: Likely benign for Predisposition to invasive fungal disease due to CARD9 deficiency. Last evaluated: 2018-01-12. Review status: criteria provided, single submitter. Criteria: ICSL Variant Classification Criteria 13 December 2019. Collection method: clinical testing. Allele origin: germline.
Comment: This variant was observed in the ICSL laboratory as part of a predisposition screen in an ostensibly healthy population. It had not been previously curated by ICSL or reported in the Human Gene Mutation Database (HGMD: prior to June 1st, 2018), and was therefore a candidate for classification through an automated scoring system. Utilizing variant allele frequency, disease prevalence and penetrance estimates, and inheritance mode, an automated score was calculated to assess if this variant is too frequent to cause the disease. Based on the score and internal cut-off values, a variant classified as likely benign is not then subjected to further curation. The score for this variant resulted in a classification of likely benign for this disease.

NM_052813.5(CARD9):c.1373G>C (p.Gly458Ala)

Gene: CARD9 (caspase recruitment domain family member 9; minus strand). Cytogenetic location: 9q34.3.
Variant type: single nucleotide variant.
Coding change: c.1373G>C on transcript NM_052813.5 (MANE Select); coding-DNA position 1373, G replaced by C.
Protein change: p.Gly458Ala; replaces glycine 458 with alanine.
Molecular consequence: missense variant.
Genome position (GRCh38, 1-based): chr9:136,365,202, C>G on the plus strand (G>C on the coding strand, the complement: CARD9 is on the minus strand). VCF-style: chr9-136365202-C-G. GRCh37 (hg19) VCF-style: chr9-139259654-C-G.
Other names: c.1373G>C, p.Gly458Ala (NM_052814.4); short protein forms G458A.
Identifiers: ClinVar variation 735201 (VCV000735201.15), dbSNP rs144348041, ClinGen allele CA5332660.